The following is an entry in ClinVar:

NM_001211.6(BUB1B):c.2033A>G (p.Glu678Gly)

Gene: BUB1B (BUB1 mitotic checkpoint serine/threonine kinase B; plus strand). Cytogenetic location: 15q15.1.
Variant type: single nucleotide variant.
Coding change: c.2033A>G on transcript NM_001211.6 (MANE Select); coding-DNA position 2033, A replaced by G.
Protein change: p.Glu678Gly; replaces glutamic acid 678 with glycine.
Molecular consequence: missense variant.
Genome position (GRCh38, 1-based): chr15:40,208,660, A>G. VCF-style: chr15-40208660-A-G. GRCh37 (hg19) VCF-style: chr15-40500861-A-G.
Other names: short protein forms E678G.
Identifiers: ClinVar variation 4842701 (VCV004842701.1).

ClinVar aggregate classification (germline): Uncertain significance (1 of 4 stars; one submission).

Conditions:
Inborn genetic diseases. Identifiers: MedGen C0950123, MeSH D030342.

Submission:

Ambry Genetics
Classification: Uncertain significance for Inborn genetic diseases. Last evaluated: 2025-12-21. Review status: criteria provided, single submitter. Criteria: Ambry Variant Classification Scheme 2023. Collection method: clinical testing. Allele origin: germline.
Comment: The p.E678G variant (also known as c.2033A>G), located in coding exon 16 of the BUB1B gene, results from an A to G substitution at nucleotide position 2033. The glutamic acid at codon 678 is replaced by glycine, an amino acid with similar properties. This amino acid position is conserved. In addition, this alteration is predicted to be tolerated by in silico analysis. Based on the available evidence, the clinical significance of this variant remains unclear.